The following is an entry in ClinVar:

ClinVar aggregate classification (germline): Likely pathogenic. Review status: criteria provided, multiple submitters, no conflicts (2 of 4 stars). 2 submissions from 2 submitters: Likely pathogenic (2). Last evaluated 2024-05-20.

Conditions:
Dilated cardiomyopathy 1D. Identifiers: Orphanet 154, Orphanet 54260, MedGen C1832243, MONDO:0011095, OMIM 601494.
Cardiomyopathy, familial restrictive, 3. Identifiers: Orphanet 75249, MedGen C2676271, MONDO:0012900, OMIM 612422.
Hypertrophic cardiomyopathy 2. Also called: TNNT2-Related Familial Hypertrophic Cardiomyopathy. Identifiers: MedGen C1861864, MONDO:0007266, OMIM 115195.

Submissions (2):

Labcorp Genetics (formerly Invitae), Labcorp
Classification: Likely pathogenic for Cardiomyopathy, familial restrictive, 3; Hypertrophic cardiomyopathy 2; Dilated cardiomyopathy 1D. Last evaluated: 2024-05-20. Review status: criteria provided, single submitter. Criteria: Invitae Variant Classification Sherloc (09022015). Collection method: clinical testing. Allele origin: germline.
Comment: This sequence change replaces isoleucine, which is neutral and non-polar, with asparagine, which is neutral and polar, at codon 90 of the TNNT2 protein (p.Ile90Asn). This variant is not present in population databases (gnomAD no frequency). This missense change has been observed in individual(s) with clinical features of TNNT2-related conditions (PMID: 27532257, 36252119). ClinVar contains an entry for this variant (Variation ID: 1699339). Advanced modeling of protein sequence and biophysical properties (such as structural, functional, and spatial information, amino acid conservation, physicochemical variation, residue mobility, and thermodynamic stability) performed at Invitae indicates that this missense variant is expected to disrupt TNNT2 protein function with a positive predictive value of 95%. This variant disrupts the p.Ile90Met amino acid residue in TNNT2. Other variant(s) that disrupt this residue have been determined to be pathogenic (PMID: 19061534). This suggests that this residue is clinically significant, and that variants that disrupt this residue are likely to be disease-causing. In summary, the currently available evidence indicates that the variant is pathogenic, but additional data are needed to prove that conclusively. Therefore, this variant has been classified as Likely Pathogenic.

Victorian Clinical Genetics Services, Murdoch Childrens Research Institute
Classification: Likely pathogenic for Hypertrophic cardiomyopathy 2. Last evaluated: 2022-02-02. Review status: criteria provided, single submitter. Criteria: ACMG Guidelines, 2015. Collection method: clinical testing. Allele origin: germline. Inheritance: Autosomal dominant inheritance.
Comment: Based on the classification scheme VCGS_Germline_v1.3.4, this variant is classified as Likely Pathogenic. Following criteria are met: 0105 - The mechanism of disease for this gene is not clearly established. Functional studies have suggested loss-of-function, gain-of-function and dominant-negative mechanisms based on calcium sensitivity, contractibility and mouse models (PMID: 18612386, 32098556, 33025817). (I) 0107 - This gene is associated with autosomal dominant disease. (I) 0115 - Variants in this gene are known to have variable expressivity, e.g., the variant, p.(Arg92Gln), has been reported to cause both DCM and HCM, even within the same family (PMID: 26507537). (I) 0200 - Variant is predicted to result in a missense amino acid change from isoleucine to asparagine. (I) 0251 - This variant is heterozygous. (I) 0301 - Variant is absent from gnomAD (both v2 and v3). (SP) 0501 - Missense variant consistently predicted to be damaging by multiple in silico tools or highly conserved with a major amino acid change. (SP) 0604 - Variant is not located in an established domain, motif, hotspot or informative constraint region. (I) 0704 - Other missense variant comparable to the one identified in this case has limited previous evidence for pathogenicity. p.(Ile100Met) is classified as a VUS in ClinVar for cardiomyopathy; however, it has been reported in one individual with HCM (PMID: 23283745) and also shown to segregate with disease (HCM) in a large multigenerational Chinese family (PMID: 19061534). (SP) 0809 - Previous evidence of pathogenicity for this variant is inconclusive. It has been reported in an individual with HCM (PMID: 27532257). (I) 0905 - No published segregation evidence has been identified for this variant. (I) 1007 - No published functional evidence has been identified for this variant. (SP) Legend: (SP) - Supporting pathogenic, (I) - Information, (SB) - Supporting benign

Literature cited by the submitters: PubMed 27532257 (cited by Labcorp Genetics (formerly Invitae), Labcorp and Victorian Clinical Genetics Services, Murdoch Childrens Research Institute); PubMed 36252119 (cited by Labcorp Genetics (formerly Invitae), Labcorp); PubMed 19061534 (cited by Labcorp Genetics (formerly Invitae), Labcorp and Victorian Clinical Genetics Services, Murdoch Childrens Research Institute); PubMed 18612386 (cited by Victorian Clinical Genetics Services, Murdoch Childrens Research Institute); PubMed 23283745 (cited by Victorian Clinical Genetics Services, Murdoch Childrens Research Institute); PubMed 26507537 (cited by Victorian Clinical Genetics Services, Murdoch Childrens Research Institute); PubMed 32098556 (cited by Victorian Clinical Genetics Services, Murdoch Childrens Research Institute); PubMed 33025817 (cited by Victorian Clinical Genetics Services, Murdoch Childrens Research Institute).

NM_001276345.2(TNNT2):c.299T>A (p.Ile100Asn)

Gene: TNNT2 (troponin T2, cardiac type; minus strand). Cytogenetic location: 1q32.1.
Variant type: single nucleotide variant.
Coding change: c.299T>A on transcript NM_001276345.2 (MANE Select); coding-DNA position 299, T replaced by A.
Protein change: p.Ile100Asn; replaces isoleucine 100 with asparagine.
Molecular consequence: missense variant. On other transcripts: intron variant (1).
Genome position (GRCh38, 1-based): chr1:201,365,303, A>T on the plus strand (T>A on the coding strand, the complement: TNNT2 is on the minus strand). VCF-style: chr1-201365303-A-T. GRCh37 (hg19) VCF-style: chr1-201334431-A-T.
Other names: c.299T>A, p.Ile100Asn (NM_000364.4); c.269T>A, p.Ile90Asn (NM_001001430.3, NM_001001431.3, NM_001276347.2); c.254T>A, p.Ile85Asn (NM_001001432.3); c.291+307T>A (NM_001276346.2); short protein forms I100N, I85N, I90N.
Identifiers: ClinVar variation 1699339 (VCV001699339.5), dbSNP rs2102262330, ClinGen allele CA344206599.
Genomic context (GRCh38, chr1:201,365,303, plus strand): 5'-AAGTGAGCCTCGATCAGCGCCTGCAACTCATTCAGGTCCTTCTCCATGCGCTTCCGGTGG[A>T]TGTCCTGTGGGTGGACCGCTGCGGCTCAGAGGCTGCCACTCCAAAGAGTCCAGAGGAGAG-3'
Protein context (NP_001263274.1, residues 90-110): PDGERVDFDD[Ile100Asn]HRKRMEKDLN